The following is an entry in ClinVar:

NM_002299.4(LCT):c.89C>T (p.Ser30Phe)

Gene: LCT (lactase; minus strand). Cytogenetic location: 2q21.3.
Variant type: single nucleotide variant.
Coding change: c.89C>T on transcript NM_002299.4 (MANE Select); coding-DNA position 89, C replaced by T.
Protein change: p.Ser30Phe; replaces serine 30 with phenylalanine.
Molecular consequence: missense variant.
Genome position (GRCh38, 1-based): chr2:135,837,081, G>A on the plus strand (C>T on the coding strand, the complement: LCT is on the minus strand). VCF-style: chr2-135837081-G-A. GRCh37 (hg19) VCF-style: chr2-136594651-G-A.
Other names: short protein forms S30F.
Identifiers: ClinVar variation 894535 (VCV000894535.11), dbSNP rs368308800, ClinGen allele CA1888700.

ClinVar aggregate classification (germline): Uncertain significance. Review status: criteria provided, multiple submitters, no conflicts (2 of 4 stars). 3 submissions from 3 submitters: Uncertain significance (3). Last evaluated 2024-11-05.

Conditions:
Congenital lactase deficiency. Also called: ALACTASIA, CONGENITAL; DISACCHARIDE INTOLERANCE II. Identifiers: Orphanet 53690, MedGen C0268179, MONDO:0009115, OMIM 223000.
Inborn genetic diseases. Identifiers: MedGen C0950123, MeSH D030342.

Allele frequency attached by ClinVar (database versions not stated): gnomAD 0.00003; TOPMed 0.00004; ExAC 0.00006; gnomAD exomes 0.00006 and 0.00009; ESP Exome Variant Server 0.00015.
gnomAD v4.1: 129 of 1,613,898 alleles (0.008%); highest among the groups gnomAD compares: Middle Eastern, 0.033%; no homozygotes.

Submissions (3):

Labcorp Genetics (formerly Invitae), Labcorp
Classification: Uncertain significance. Last evaluated: 2024-11-05. Review status: criteria provided, single submitter. Criteria: Invitae Variant Classification Sherloc (09022015). Collection method: clinical testing. Allele origin: germline.
Comment: This sequence change replaces serine, which is neutral and polar, with phenylalanine, which is neutral and non-polar, at codon 30 of the LCT protein (p.Ser30Phe). This variant is present in population databases (rs368308800, gnomAD 0.008%). This variant has not been reported in the literature in individuals affected with LCT-related conditions. ClinVar contains an entry for this variant (Variation ID: 894535). An algorithm developed to predict the effect of missense changes on protein structure and function (PolyPhen-2) suggests that this variant¬†is likely to be tolerated. In summary, the available evidence is currently insufficient to determine the role of this variant in disease. Therefore, it has been classified as a Variant of Uncertain Significance.

Ambry Genetics
Classification: Uncertain significance for Inborn genetic diseases. Last evaluated: 2022-01-26. Review status: criteria provided, single submitter. Criteria: Ambry Variant Classification Scheme 2023. Collection method: clinical testing. Allele origin: germline.

Illumina Laboratory Services, Illumina
Classification: Uncertain significance for Congenital lactase deficiency. Last evaluated: 2017-04-27. Review status: criteria provided, single submitter. Criteria: ICSL Variant Classification Criteria 13 December 2019. Collection method: clinical testing. Allele origin: germline.